The following is an entry in ClinVar:

ClinVar aggregate classification (germline): Uncertain significance (1 of 4 stars; one submission).

Allele frequency attached by ClinVar (database versions not stated): gnomAD exomes below 0.00001; ExAC 0.00001.
gnomAD v4.1: 1 of 1,614,044 alleles (0.000062%); highest among the groups gnomAD compares: Admixed American, 0.0017%; no homozygotes.

Submission:

Labcorp Genetics (formerly Invitae), Labcorp
Classification: Uncertain significance. Last evaluated: 2025-01-06. Review status: criteria provided, single submitter. Criteria: Invitae Variant Classification Sherloc (09022015). Collection method: clinical testing. Allele origin: germline.
Comment: This sequence change replaces glycine, which is neutral and non-polar, with arginine, which is basic and polar, at codon 1371 of the PCDH15 protein (p.Gly1371Arg). This variant is present in population databases (rs778193787, gnomAD 0.003%). This variant has not been reported in the literature in individuals affected with PCDH15-related conditions. ClinVar contains an entry for this variant (Variation ID: 1404872). Invitae Evidence Modeling of protein sequence and biophysical properties (such as structural, functional, and spatial information, amino acid conservation, physicochemical variation, residue mobility, and thermodynamic stability) indicates that this missense variant is not expected to disrupt PCDH15 protein function with a negative predictive value of 95%. In summary, the available evidence is currently insufficient to determine the role of this variant in disease. Therefore, it has been classified as a Variant of Uncertain Significance.

NM_001384140.1(PCDH15):c.4111G>A (p.Gly1371Arg)

Gene: PCDH15 (protocadherin related 15; minus strand). Cytogenetic location: 10q21.1.
Variant type: single nucleotide variant.
Coding change: c.4111G>A on transcript NM_001384140.1 (MANE Select); coding-DNA position 4111, G replaced by A.
Protein change: p.Gly1371Arg; replaces glycine 1371 with arginine.
Molecular consequence: missense variant.
Genome position (GRCh38, 1-based): chr10:53,831,406, C>T on the plus strand (G>A on the coding strand, the complement: PCDH15 is on the minus strand). VCF-style: chr10-53831406-C-T. GRCh37 (hg19) VCF-style: chr10-55591166-C-T.
Other names: c.4126G>A, p.Gly1376Arg (NM_001142763.2, NM_001142771.2); c.4111G>A, p.Gly1371Arg (NM_001142764.2, NM_001142766.2, NM_001142770.3 and 4 more transcripts); c.3898G>A, p.Gly1300Arg (NM_001142765.2); c.4000G>A, p.Gly1334Arg (NM_001142767.2); c.4045G>A, p.Gly1349Arg (NM_001142768.2, NM_001142773.2, NM_001354404.2); c.4147G>A, p.Gly1383Arg (NM_001142769.4); c.4132G>A, p.Gly1378Arg (NM_001354411.2); short protein forms G1349R, G1378R, G1383R, G1300R, G1334R, G1371R, G1376R.
Identifiers: ClinVar variation 1404872 (VCV001404872.8), dbSNP rs778193787, ClinGen allele CA5505466.